The following is an entry in ClinVar:

ClinVar aggregate classification (germline): Uncertain significance. Review status: criteria provided, multiple submitters, no conflicts (2 of 4 stars). 3 submissions from 3 submitters: Uncertain significance (2). 1 of the submissions does not count toward it. Last evaluated 2025-07-31.

Conditions:
Ehlers-Danlos syndrome, dermatosparaxis type. Also called: Dermatosparaxis; Ehlers-Danlos syndrome, type VII, autosomal recessive; EDS VIIC. Identifiers: Orphanet 1901, MedGen C2700425, MONDO:0009161, OMIM 225410.
Inborn genetic diseases. Identifiers: MedGen C0950123, MeSH D030342.

Allele frequency attached by ClinVar (database versions not stated): gnomAD exomes below 0.00001; TOPMed 0.00001; gnomAD 0.00003.
gnomAD v4.1: 8 of 1,597,258 alleles (0.0005%); highest among the groups gnomAD compares: Admixed American, 0.0087%; no homozygotes.

Submissions (3):

Ambry Genetics
Classification: Uncertain significance for Inborn genetic diseases. Last evaluated: 2025-07-31. Review status: criteria provided, single submitter. Criteria: Ambry Variant Classification Scheme 2023. Collection method: clinical testing. Allele origin: germline.

Labcorp Genetics (formerly Invitae), Labcorp
Classification: Uncertain significance for Ehlers-Danlos syndrome, dermatosparaxis type. Last evaluated: 2021-08-31. Review status: criteria provided, single submitter. Criteria: Invitae Variant Classification Sherloc (09022015). Collection method: clinical testing. Allele origin: germline.
Comment: This sequence change replaces glycine with glutamic acid at codon 48 of the ADAMTS2 protein (p.Gly48Glu). The glycine residue is highly conserved and there is a moderate physicochemical difference between glycine and glutamic acid. This variant is not present in population databases (ExAC no frequency). This variant has not been reported in the literature in individuals affected with ADAMTS2-related conditions. Algorithms developed to predict the effect of missense changes on protein structure and function output the following: SIFT: "Deleterious"; PolyPhen-2: "Not Available"; Align-GVGD: "Class C0". The glutamic acid amino acid residue is found in multiple mammalian species, which suggests that this missense change does not adversely affect protein function. In summary, the available evidence is currently insufficient to determine the role of this variant in disease. Therefore, it has been classified as a Variant of Uncertain Significance.

Natera, Inc.
Classification: Uncertain significance for Ehlers-Danlos syndrome type VIIC. Last evaluated: 2020-09-16. Review status: no assertion criteria provided. Collection method: clinical testing. Allele origin: germline. Not counted in ClinVar's aggregate classification.

NM_014244.5(ADAMTS2):c.143G>A (p.Gly48Glu)

Gene: ADAMTS2 (ADAM metallopeptidase with thrombospondin type 1 motif 2; minus strand). Cytogenetic location: 5q35.3.
Variant type: single nucleotide variant.
Coding change: c.143G>A on transcript NM_014244.5 (MANE Select); coding-DNA position 143, G replaced by A.
Protein change: p.Gly48Glu; replaces glycine 48 with glutamic acid.
Molecular consequence: missense variant.
Genome position (GRCh38, 1-based): chr5:179,344,158, C>T on the plus strand (G>A on the coding strand, the complement: ADAMTS2 is on the minus strand). VCF-style: chr5-179344158-C-T. GRCh37 (hg19) VCF-style: chr5-178771159-C-T.
Other names: c.143G>A, p.Gly48Glu (NM_021599.4); short protein forms G48E.
Identifiers: ClinVar variation 574031 (VCV000574031.6), dbSNP rs1019548575, ClinGen allele CA133086025.